The following is an entry in ClinVar:

NM_001378687.1(ATP2C1):c.117+7G>A

Gene: ATP2C1 (ATPase secretory pathway Ca2+ transporting 1; plus strand). Cytogenetic location: 3q22.1.
Variant type: single nucleotide variant.
Coding change: c.117+7G>A on transcript NM_001378687.1 (MANE Select); 7 bases into the intron after coding-DNA position 117, G replaced by A.
Molecular consequence: intron variant.
Genome position (GRCh38, 1-based): chr3:130,930,533, G>A. VCF-style: chr3-130930533-G-A. GRCh37 (hg19) VCF-style: chr3-130649377-G-A.
Other names: c.219+7G>A (NM_001378511.1, NM_001199180.2, NM_001199182.2 and 1 more transcripts); c.117+7G>A (NM_001001486.2, NM_001001487.2, NM_001001485.3 and 5 more transcripts); c.69+7G>A (NM_001378514.1, NM_001199183.2, NM_001199184.3).
Identifiers: ClinVar variation 343318 (VCV000343318.39), dbSNP rs41266501, ClinGen allele CA2614710.

ClinVar aggregate classification (germline): Benign/Likely benign. Review status: criteria provided, multiple submitters, no conflicts (2 of 4 stars). 4 submissions from 4 submitters: Benign (3); Likely benign (1). Last evaluated 2026-03-01.

Conditions:
Familial benign pemphigus (HHD). Identifiers: Orphanet 2841, MedGen C0085106, MONDO:0008218, OMIM 169600.

Allele frequency attached by ClinVar (database versions not stated): 1000 Genomes Project 30x 0.00234; 1000 Genomes Project 0.00240; ESP Exome Variant Server 0.00315; ExAC 0.00320; gnomAD exomes 0.00330 and 0.00447; gnomAD 0.00334; TOPMed 0.00335.
gnomAD v4.1: 6,720 of 1,560,120 alleles (0.43%); highest among the groups gnomAD compares: Admixed American, 0.53%; 28 homozygotes.

Submissions (4):

CeGaT Center for Human Genetics Tuebingen
Classification: Likely benign. Last evaluated: 2026-03-01. Review status: criteria provided, single submitter. Criteria: CeGaT Center For Human Genetics Tuebingen Variant Classification Criteria Version 2. Collection method: clinical testing. Allele origin: germline. Affected: yes. Observed: 3 variant alleles.
Comment: ATP2C1: BP4, BS2

Labcorp Genetics (formerly Invitae), Labcorp
Classification: Benign. Last evaluated: 2025-10-03. Review status: criteria provided, single submitter. Criteria: Invitae Variant Classification Sherloc (09022015). Collection method: clinical testing. Allele origin: germline.

Illumina Laboratory Services, Illumina
Classification: Benign for Familial benign pemphigus. Last evaluated: 2018-01-13. Review status: criteria provided, single submitter. Criteria: ICSL Variant Classification Criteria 13 December 2019. Collection method: clinical testing. Allele origin: germline.
Comment: This variant was observed in the ICSL laboratory as part of a predisposition screen in an ostensibly healthy population. It had not been previously curated by ICSL or reported in the Human Gene Mutation Database (HGMD: prior to June 1st, 2018), and was therefore a candidate for classification through an automated scoring system. Utilizing variant allele frequency, disease prevalence and penetrance estimates, and inheritance mode, an automated score was calculated to assess if this variant is too frequent to cause the disease. Based on the score and internal cut-off values, a variant classified as benign is not then subjected to further curation. The score for this variant resulted in a classification of benign for this disease.

Breakthrough Genomics
Classification: Benign. Review status: criteria provided, single submitter. Criteria: ACMG Guidelines, 2015. Collection method: not provided. Allele origin: germline. Inheritance: Autosomal dominant inheritance. Affected: yes.